The following is an entry in ClinVar:

ClinVar aggregate classification (germline): Uncertain significance (1 of 4 stars; one submission).

Submission:

Labcorp Genetics (formerly Invitae), Labcorp
Classification: Uncertain significance. Last evaluated: 2024-02-23. Review status: criteria provided, single submitter. Criteria: Invitae Variant Classification Sherloc (09022015). Collection method: clinical testing. Allele origin: germline.
Comment: This sequence change falls in intron 1 of the GRM7 gene. It does not directly change the encoded amino acid sequence of the GRM7 protein. It affects a nucleotide within the consensus splice site. Information on the frequency of this variant in the gnomAD database is not available, as this variant may be reported differently in the database. This variant has not been reported in the literature in individuals affected with GRM7-related conditions. ClinVar contains an entry for this variant (Variation ID: 1382489). Variants that disrupt the consensus splice site are a relatively common cause of aberrant splicing (PMID: 17576681, 9536098). In summary, the available evidence is currently insufficient to determine the role of this variant in disease. Therefore, it has been classified as a Variant of Uncertain Significance.

Literature cited by the submitters: PubMed 17576681; PubMed 9536098.

NM_000844.4(GRM7):c.519+6_519+7delinsAG

Gene: GRM7 (glutamate metabotropic receptor 7; plus strand). Cytogenetic location: 3p26.1.
Variant type: Indel.
Coding change: c.519+6_519+7delinsAG on transcript NM_000844.4 (MANE Select); bases 6 to 7 of the intron after coding-DNA position 519, GA replaced by AG.
Molecular consequence: intron variant.
Genome position (GRCh38, 1-based): chr3:6,861,913-6,861,914, GA replaced by AG. VCF-style: chr3-6861913-GA-AG. GRCh37 (hg19) VCF-style: chr3-6903600-GA-AG.
Other names: c.519+6_519+7delinsAG (NM_181874.3).
Identifiers: ClinVar variation 1382489 (VCV001382489.6), dbSNP rs2124924767, ClinGen allele CA2573137001.